The following is an entry in ClinVar:

ClinVar aggregate classification (germline): Uncertain significance (1 of 4 stars; one submission).

Conditions:
Autosomal recessive limb-girdle muscular dystrophy type 2A (LGMDR1). Also called: Calpainopathy; LEYDEN-MOEBIUS MUSCULAR DYSTROPHY; MUSCULAR DYSTROPHY, PELVOFEMORAL; Limb-girdle muscular dystrophy, type 2A; Muscular dystrophy, limb-girdle, type 2A, Amish. Identifiers: Orphanet 267, MedGen C1869123, MONDO:0009675, OMIM 253600. Disease mechanism: loss of function.

Submission:

Labcorp Genetics (formerly Invitae), Labcorp
Classification: Uncertain significance for Autosomal recessive limb-girdle muscular dystrophy type 2A. Last evaluated: 2023-09-08. Review status: criteria provided, single submitter. Criteria: Invitae Variant Classification Sherloc (09022015). Collection method: clinical testing. Allele origin: germline.
Comment: This sequence change replaces proline, which is neutral and non-polar, with serine, which is neutral and polar, at codon 558 of the CAPN3 protein (p.Pro558Ser). In summary, the available evidence is currently insufficient to determine the role of this variant in disease. Therefore, it has been classified as a Variant of Uncertain Significance. Advanced modeling of protein sequence and biophysical properties (such as structural, functional, and spatial information, amino acid conservation, physicochemical variation, residue mobility, and thermodynamic stability) performed at Invitae indicates that this missense variant is expected to disrupt CAPN3 protein function. This variant has not been reported in the literature in individuals affected with CAPN3-related conditions. This variant is not present in population databases (gnomAD no frequency).

NM_000070.3(CAPN3):c.1672C>T (p.Pro558Ser)

Gene: CAPN3 (calpain 3; plus strand). Cytogenetic location: 15q15.1.
Variant type: single nucleotide variant.
Coding change: c.1672C>T on transcript NM_000070.3 (MANE Select); coding-DNA position 1672, C replaced by T.
Protein change: p.Pro558Ser; replaces proline 558 with serine.
Molecular consequence: missense variant.
Genome position (GRCh38, 1-based): chr15:42,402,929, C>T. VCF-style: chr15-42402929-C-T. GRCh37 (hg19) VCF-style: chr15-42695127-C-T.
Other names: c.1672C>T, p.Pro558Ser (NM_024344.2); c.1528C>T, p.Pro510Ser (NM_173087.2); c.136C>T, p.Pro46Ser (NM_173088.2); c.*788C>T (NM_212464.2); c.*1365C>T (NM_212467.2); short protein forms P46S, P510S, P558S.
Identifiers: ClinVar variation 2693782 (VCV002693782.3), dbSNP rs2548279462, ClinGen allele CA392000359.